The following is an entry in ClinVar:

NM_003482.4(KMT2D):c.10379A>G (p.Gln3460Arg)

Gene: KMT2D (lysine methyltransferase 2D; minus strand). Cytogenetic location: 12q13.12.
Variant type: single nucleotide variant.
Coding change: c.10379A>G on transcript NM_003482.4 (MANE Select); coding-DNA position 10379, A replaced by G.
Protein change: p.Gln3460Arg; replaces glutamine 3460 with arginine.
Molecular consequence: missense variant.
Genome position (GRCh38, 1-based): chr12:49,034,643, T>C on the plus strand (A>G on the coding strand, the complement: KMT2D is on the minus strand). VCF-style: chr12-49034643-T-C. GRCh37 (hg19) VCF-style: chr12-49428426-T-C.
Other names: short protein forms Q3460R.
Identifiers: ClinVar variation 976296 (VCV000976296.2), dbSNP rs1943129038, ClinGen allele CA384729289.

ClinVar aggregate classification (germline): Uncertain significance. Review status: criteria provided, multiple submitters, no conflicts (2 of 4 stars). 2 submissions from 2 submitters: Uncertain significance (2). Last evaluated 2026-01-26.

Conditions:
Kabuki syndrome. Also called: Kabuki make-up syndrome; NIIKAWA-KUROKI SYNDROME. Identifiers: Orphanet 2322, MedGen C0796004, MONDO:0016512.
Kabuki syndrome 1 (KABUK1). Also called: KMT2D-Related Kabuki Syndrome. Identifiers: Orphanet 2322, MedGen CN030661, MONDO:0007843, OMIM 147920.

Submissions (2):

Labcorp Genetics (formerly Invitae), Labcorp
Classification: Uncertain significance for Kabuki syndrome. Last evaluated: 2026-01-26. Review status: criteria provided, single submitter. Criteria: Invitae Variant Classification Sherloc (09022015). Collection method: clinical testing. Allele origin: germline.
Comment: This sequence change replaces glutamine, which is neutral and polar, with arginine, which is basic and polar, at codon 3460 of the KMT2D protein (p.Gln3460Arg). This variant is not present in population databases (gnomAD no frequency). This variant has not been reported in the literature in individuals affected with KMT2D-related conditions. ClinVar contains an entry for this variant (Variation ID: 976296). Invitae Evidence Modeling of protein sequence and biophysical properties (such as structural, functional, and spatial information, amino acid conservation, physicochemical variation, residue mobility, and thermodynamic stability) indicates that this missense variant is not expected to disrupt KMT2D protein function with a negative predictive value of 95%. In summary, the available evidence is currently insufficient to determine the role of this variant in disease. Therefore, it has been classified as a Variant of Uncertain Significance.

Institute of Human Genetics, University of Leipzig Medical Center
Classification: Uncertain significance for Kabuki syndrome 1. Last evaluated: 2019-03-07. Review status: criteria provided, single submitter. Criteria: ACMG Guidelines, 2015. Collection method: clinical testing. Allele origin: germline. Affected: yes. Observed: 1 variant allele.